The following is an entry in ClinVar:

NM_014319.5(LEMD3):c.1801G>T (p.Glu601Ter)

Gene: LEMD3 (LEM domain containing 3; plus strand). Cytogenetic location: 12q14.3.
Variant type: single nucleotide variant.
Coding change: c.1801G>T on transcript NM_014319.5 (MANE Select); coding-DNA position 1801, G replaced by T.
Protein change: p.Glu601Ter; replaces glutamic acid 601 with a stop codon.
Molecular consequence: nonsense.
Genome position (GRCh38, 1-based): chr12:65,238,694, G>T. VCF-style: chr12-65238694-G-T. GRCh37 (hg19) VCF-style: chr12-65632474-G-T.
Other names: c.1798G>T, p.Glu600Ter (NM_001167614.2); short protein forms E601*, E600*.
Identifiers: ClinVar variation 620578 (VCV000620578.4), dbSNP rs1565799131, ClinGen allele CA385671112.

ClinVar aggregate classification (germline): Pathogenic/Likely pathogenic. Review status: criteria provided, multiple submitters, no conflicts (2 of 4 stars). 4 submissions from 4 submitters: Pathogenic (3); Likely pathogenic (1). Last evaluated 2025-07-31.

Conditions:
Dermatofibrosis lenticularis disseminata (BOS). Also called: DERMATOFIBROSIS LENTICULARIS DISSEMINATA WITH OSTEOPOIKILOSIS; DERMATOOSTEOPOIKILOSIS; OSTEOPATHIA CONDENSANS DISSEMINATA. Identifiers: Orphanet 1306, MedGen C0265514, MONDO:0008157, OMIM 166700.

Allele frequency attached by ClinVar (database versions not stated): gnomAD exomes below 0.00001.
gnomAD v4.1: 1 of 1,614,036 alleles (0.000062%); highest among the groups gnomAD compares: South Asian, 0.0011%; no homozygotes.

Submissions (4):

Labcorp Genetics (formerly Invitae), Labcorp
Classification: Pathogenic. Last evaluated: 2025-07-31. Review status: criteria provided, single submitter. Criteria: Invitae Variant Classification Sherloc (09022015). Collection method: clinical testing. Allele origin: germline.
Comment: This sequence change creates a premature translational stop signal (p.Glu601*) in the LEMD3 gene. It is expected to result in an absent or disrupted protein product. Loss-of-function variants in LEMD3 are known to be pathogenic (PMID: 15489854, 19438932). This variant is not present in population databases (gnomAD no frequency). This premature translational stop signal has been observed in individual(s) with LEMD3-related conditions (PMID: 16470551). ClinVar contains an entry for this variant (Variation ID: 620578). Algorithms developed to predict the effect of sequence changes on RNA splicing suggest that this variant may disrupt the consensus splice site. For these reasons, this variant has been classified as Pathogenic.

Dasa
Classification: Pathogenic. Last evaluated: 2025-07-03. Review status: criteria provided, single submitter. Criteria: DASA Assertion Criteria. Collection method: clinical testing. Allele origin: germline.
Comment: NM_014319.5(LEMD3):c.1801G>T (p.Glu601*) introduces a premature termination codon predicted to result in loss of normal protein function. Loss-of-function is an established mechanism of disease for this gene. This variant has been reported in individuals with related phenotype (PMID: 16470551). The variant is present at low frequency in population datasets. Based on the available data, this variant is classified as pathogenic.

GeneDx
Classification: Likely pathogenic. Last evaluated: 2023-01-12. Review status: criteria provided, single submitter. Criteria: GeneDx Variant Classification Process June 2021. Collection method: clinical testing. Allele origin: germline. Affected: yes.
Comment: Reported in a patient with features of a LEMD3-related disorder in the published literature (Hellemans et al., 2006); Not observed at significant frequency in large population cohorts (gnomAD); Nonsense variant predicted to result in protein truncation or nonsense mediated decay in a gene for which loss of function is a known mechanism of disease; This variant is associated with the following publications: (PMID: 25525159, 16470551, 35022528)

Molecular Diagnostics Laboratory, M Health Fairview: University of Minnesota
Classification: Pathogenic for Dermatofibrosis lenticularis disseminata. Last evaluated: 2018-05-18. Review status: criteria provided, single submitter. Criteria: ACMG Guidelines, 2015. Collection method: clinical testing. Allele origin: germline. Affected: yes. Observed: 1 variant allele.

Literature cited by the submitters: PubMed 15489854 (cited by Labcorp Genetics (formerly Invitae), Labcorp); PubMed 19438932 (cited by Labcorp Genetics (formerly Invitae), Labcorp); PubMed 16470551 (cited by 3 submitters).